The following is an entry in ClinVar:

NM_032737.4(LMNB2):c.1444G>A (p.Glu482Lys)

Gene: LMNB2 (lamin B2; minus strand). Cytogenetic location: 19p13.3.
Variant type: single nucleotide variant.
Coding change: c.1444G>A on transcript NM_032737.4 (MANE Select); coding-DNA position 1444, G replaced by A.
Protein change: p.Glu482Lys; replaces glutamic acid 482 with lysine.
Molecular consequence: missense variant.
Genome position (GRCh38, 1-based): chr19:2,433,864, C>T on the plus strand (G>A on the coding strand, the complement: LMNB2 is on the minus strand). VCF-style: chr19-2433864-C-T. GRCh37 (hg19) VCF-style: chr19-2433862-C-T.
Other names: short protein forms E482K.
Identifiers: ClinVar variation 2146573 (VCV002146573.4), dbSNP rs187964885, ClinGen allele CA304224913.

ClinVar aggregate classification (germline): Uncertain significance (1 of 4 stars; one submission).

Conditions:
Progressive myoclonic epilepsy type 9. Identifiers: Orphanet 457265, MedGen C4225289, MONDO:0014685, OMIM 616540.
Lipodystrophy, partial, acquired, susceptibility to (APLD). Also called: APLD, SUSCEPTIBILITY TO. Identifiers: MedGen C3887501, MONDO:0100476, OMIM 608709.

Allele frequency attached by ClinVar (database versions not stated): gnomAD 0.00001; TOPMed 0.00001; 1000 Genomes Project 0.00020; 1000 Genomes Project 30x 0.00031.

Submission:

Labcorp Genetics (formerly Invitae), Labcorp
Classification: Uncertain significance for Progressive myoclonic epilepsy type 9; Lipodystrophy, partial, acquired, susceptibility to. Last evaluated: 2022-02-14. Review status: criteria provided, single submitter. Criteria: Invitae Variant Classification Sherloc (09022015). Collection method: clinical testing. Allele origin: germline.
Comment: In summary, the available evidence is currently insufficient to determine the role of this variant in disease. Therefore, it has been classified as a Variant of Uncertain Significance. Algorithms developed to predict the effect of missense changes on protein structure and function are either unavailable or do not agree on the potential impact of this missense change (SIFT: "Deleterious"; PolyPhen-2: "Probably Damaging"; Align-GVGD: "Class C0"). This variant has not been reported in the literature in individuals affected with LMNB2-related conditions. This variant is not present in population databases (gnomAD no frequency). This sequence change replaces glutamic acid, which is acidic and polar, with lysine, which is basic and polar, at codon 482 of the LMNB2 protein (p.Glu482Lys).